The following is an entry in ClinVar:

ClinVar aggregate classification (germline): Uncertain significance. Review status: criteria provided, multiple submitters, no conflicts (2 of 4 stars). 2 submissions from 2 submitters: Uncertain significance (2). Last evaluated 2024-01-03.

Conditions:
Inborn genetic diseases. Identifiers: MedGen C0950123, MeSH D030342.

Allele frequency attached by ClinVar (database versions not stated): gnomAD below 0.00001 and 0.00001; gnomAD exomes 0.00001 and 0.00003; TOPMed 0.00001; ExAC 0.00002; ESP Exome Variant Server 0.00008.
gnomAD v4.1: 23 of 1,613,748 alleles (0.0014%); highest among the groups gnomAD compares: South Asian, 0.013%; no homozygotes.

Submissions (2):

Ambry Genetics
Classification: Uncertain significance for Inborn genetic diseases. Last evaluated: 2024-01-03. Review status: criteria provided, single submitter. Criteria: Ambry Variant Classification Scheme 2023. Collection method: clinical testing. Allele origin: germline.

Labcorp Genetics (formerly Invitae), Labcorp
Classification: Uncertain significance. Last evaluated: 2023-10-13. Review status: criteria provided, single submitter. Criteria: Invitae Variant Classification Sherloc (09022015). Collection method: clinical testing. Allele origin: germline.
Comment: This sequence change replaces arginine, which is basic and polar, with histidine, which is basic and polar, at codon 233 of the DNAAF4 protein (p.Arg233His). This variant is present in population databases (rs373052739, gnomAD 0.01%). This variant has not been reported in the literature in individuals affected with DNAAF4-related conditions. ClinVar contains an entry for this variant (Variation ID: 845521). Advanced modeling of protein sequence and biophysical properties (such as structural, functional, and spatial information, amino acid conservation, physicochemical variation, residue mobility, and thermodynamic stability) performed at Invitae indicates that this missense variant is expected to disrupt DNAAF4 protein function. In summary, the available evidence is currently insufficient to determine the role of this variant in disease. Therefore, it has been classified as a Variant of Uncertain Significance.

NM_130810.4(DNAAF4):c.698G>A (p.Arg233His)

Genes: DNAAF4 (dynein axonemal assembly factor 4; minus strand), DNAAF4-CCPG1 (DNAAF4-CCPG1 readthrough (NMD candidate); minus strand). Cytogenetic location: 15q21.3.
Variant type: single nucleotide variant.
Coding change: c.698G>A on transcript NM_130810.4 (MANE Select); coding-DNA position 698, G replaced by A.
Protein change: p.Arg233His; replaces arginine 233 with histidine.
Molecular consequence: missense variant. On other transcripts: non-coding transcript variant (1).
Genome position (GRCh38, 1-based): chr15:55,450,307, C>T on the plus strand (G>A on the coding strand, the complement: DNAAF4 is on the minus strand). VCF-style: chr15-55450307-C-T. GRCh37 (hg19) VCF-style: chr15-55742505-C-T.
Other names: c.698G>A, p.Arg233His (NM_001033559.3, NM_001033560.2); short protein forms R233H.
Identifiers: ClinVar variation 845521 (VCV000845521.10), dbSNP rs373052739, ClinGen allele CA7574977.